The following is an entry in ClinVar:

ClinVar aggregate classification (germline): Uncertain significance. Review status: criteria provided, multiple submitters, no conflicts (2 of 4 stars). 2 submissions from 2 submitters: Uncertain significance (2). Last evaluated 2021-06-20.

Conditions:
Gastrointestinal stromal tumor. Also called: Gastrointestinal stromal tumor, somatic; Gastrointestinal stroma tumor. Identifiers: Orphanet 44890, MedGen C0238198, MeSH D046152, MONDO:0011719, OMIM 606764, HP:0100723.
Hereditary cancer-predisposing syndrome. Also called: Neoplastic Syndromes, Hereditary; Tumor predisposition; Hereditary Cancer Syndrome; Hereditary neoplastic syndrome. Identifiers: Orphanet 140162, MedGen C0027672, MeSH D009386, MONDO:0015356.

Submissions (2):

Ambry Genetics
Classification: Uncertain significance for Hereditary cancer-predisposing syndrome. Last evaluated: 2021-06-20. Review status: criteria provided, single submitter. Criteria: Ambry Variant Classification Scheme 2023. Collection method: clinical testing. Allele origin: germline.
Comment: The p.K515R variant (also known as c.1544A>G), located in coding exon 9 of the PDGFRA gene, results from an A to G substitution at nucleotide position 1544. The lysine at codon 515 is replaced by arginine, an amino acid with highly similar properties. This amino acid position is conserved. In addition, the in silico prediction for this alteration is inconclusive. Since supporting evidence is limited at this time, the clinical significance of this alteration remains unclear.

Labcorp Genetics (formerly Invitae), Labcorp
Classification: Uncertain significance for Gastrointestinal stromal tumor. Last evaluated: 2019-04-14. Review status: criteria provided, single submitter. Criteria: Invitae Variant Classification Sherloc (09022015). Collection method: clinical testing. Allele origin: germline.
Comment: Algorithms developed to predict the effect of missense changes on protein structure and function are either unavailable or do not agree on the potential impact of this missense change (SIFT: "Tolerated"; PolyPhen-2: "Probably Damaging"; Align-GVGD: "Class C0"). In summary, the available evidence is currently insufficient to determine the role of this variant in disease. Therefore, it has been classified as a Variant of Uncertain Significance. This variant has not been reported in the literature in individuals with PDGFRA-related conditions. This sequence change replaces lysine with arginine at codon 515 of the PDGFRA protein (p.Lys515Arg). The lysine residue is highly conserved and there is a small physicochemical difference between lysine and arginine. This variant is not present in population databases (ExAC no frequency).

NM_006206.6(PDGFRA):c.1544A>G (p.Lys515Arg)

Gene: PDGFRA (platelet derived growth factor receptor alpha; plus strand). Cytogenetic location: 4q12.
Variant type: single nucleotide variant.
Coding change: c.1544A>G on transcript NM_006206.6 (MANE Select); coding-DNA position 1544, A replaced by G.
Protein change: p.Lys515Arg; replaces lysine 515 with arginine.
Molecular consequence: missense variant.
Genome position (GRCh38, 1-based): chr4:54,273,716, A>G. VCF-style: chr4-54273716-A-G. GRCh37 (hg19) VCF-style: chr4-55139883-A-G.
Other names: c.1544A>G, p.Lys515Arg (NM_001347827.2, NM_001347829.2); c.1619A>G, p.Lys540Arg (NM_001347828.2); c.1583A>G, p.Lys528Arg (NM_001347830.2); short protein forms K540R, K515R, K528R.
Identifiers: ClinVar variation 851720 (VCV000851720.12), dbSNP rs1723545756, ClinGen allele CA356892784.